The following is an entry in ClinVar:

ClinVar aggregate classification (germline): Uncertain significance. Review status: criteria provided, multiple submitters, no conflicts (2 of 4 stars). 3 submissions from 3 submitters: Uncertain significance (2). 1 of the submissions does not count toward it. Last evaluated 2021-11-04.

Conditions:
Arterial calcification, generalized, of infancy, 2. Identifiers: Orphanet 51608, MedGen C3276161, MONDO:0013768, OMIM 614473.
Autosomal recessive inherited pseudoxanthoma elasticum (PXE). Identifiers: Orphanet 758, MedGen CN032334, MONDO:0009925, OMIM 264800.
Pseudoxanthoma elasticum, forme fruste. Also called: Pseudoxanthoma Elasticum, Incomplete; PSEUDOXANTHOMA ELASTICUM, HETEROZYGOUS. Identifiers: Orphanet 758, MedGen C1867450, MONDO:0008333, OMIM 177850.

Allele frequency attached by ClinVar (database versions not stated): TOPMed 0.00003; gnomAD 0.00001.

Submissions (3):

Fulgent Genetics
Classification: Uncertain significance for Pseudoxanthoma elasticum, forme fruste; Autosomal recessive inherited pseudoxanthoma elasticum; Arterial calcification, generalized, of infancy, 2. Last evaluated: 2021-11-04. Review status: criteria provided, single submitter. Criteria: ACMG Guidelines, 2015. Collection method: clinical testing. Allele origin: unknown.

Labcorp Genetics (formerly Invitae), Labcorp
Classification: Uncertain significance. Last evaluated: 2021-09-04. Review status: criteria provided, single submitter. Criteria: Invitae Variant Classification Sherloc (09022015). Collection method: clinical testing. Allele origin: germline.
Comment: This sequence change replaces arginine with cysteine at codon 1461 of the ABCC6 protein (p.Arg1461Cys). The arginine residue is weakly conserved and there is a large physicochemical difference between arginine and cysteine. This variant is not present in population databases (ExAC no frequency). This missense change has been observed in individual(s) with clinical features of pseudoxanthoma elasticum (PMID: 28102862). ClinVar contains an entry for this variant (Variation ID: 433475). Advanced modeling of protein sequence and biophysical properties (such as structural, functional, and spatial information, amino acid conservation, physicochemical variation, residue mobility, and thermodynamic stability) performed at Invitae indicates that this missense variant is not expected to disrupt ABCC6 protein function. In summary, the available evidence is currently insufficient to determine the role of this variant in disease. Therefore, it has been classified as a Variant of Uncertain Significance.

PXE International
Classification: Uncertain significance for Autosomal recessive inherited pseudoxanthoma elasticum. Last evaluated: 2021-02-16. Review status: no assertion criteria provided. Collection method: research. Allele origin: germline. Inheritance: Autosomal recessive inheritance. Affected: yes. Observed: 1 variant allele. Not counted in ClinVar's aggregate classification.

Literature cited by the submitters: PubMed 28102862 (cited by Labcorp Genetics (formerly Invitae), Labcorp); PubMed 32873932 (cited by PXE International).

NM_001171.6(ABCC6):c.4381C>T (p.Arg1461Cys)

Genes: ABCC6 (ATP binding cassette subfamily C member 6; minus strand), LOC125146421 (Sharpr-MPRA regulatory region 15590; plus strand). Cytogenetic location: 16p13.11.
Variant type: single nucleotide variant.
Coding change: c.4381C>T on transcript NM_001171.6 (MANE Select); coding-DNA position 4381, C replaced by T.
Protein change: p.Arg1461Cys; replaces arginine 1461 with cysteine.
Molecular consequence: missense variant. On other transcripts: non-coding transcript variant (1).
Genome position (GRCh38, 1-based): chr16:16,150,600, G>A on the plus strand (C>T on the coding strand, the complement: ABCC6 is on the minus strand). VCF-style: chr16-16150600-G-A. GRCh37 (hg19) VCF-style: chr16-16244457-G-A.
Other names: c.4039C>T, p.Arg1347Cys (NM_001351800.1); short protein forms R1461C, R1347C.
Identifiers: ClinVar variation 433475 (VCV000433475.7), dbSNP rs1030872147, ClinGen allele CA394883709.